The following is an entry in ClinVar:

ClinVar aggregate classification (germline): Uncertain significance (1 of 4 stars; one submission).

Allele frequency attached by ClinVar (database versions not stated): TOPMed below 0.00001; ExAC 0.00001; gnomAD exomes 0.00001 and 0.00002.

Submission:

Labcorp Genetics (formerly Invitae), Labcorp
Classification: Uncertain significance. Last evaluated: 2023-12-11. Review status: criteria provided, single submitter. Criteria: Invitae Variant Classification Sherloc (09022015). Collection method: clinical testing. Allele origin: germline.
Comment: This sequence change replaces arginine, which is basic and polar, with glutamine, which is neutral and polar, at codon 381 of the CWC27 protein (p.Arg381Gln). This variant is present in population databases (rs754601012, gnomAD 0.01%). This variant has not been reported in the literature in individuals affected with CWC27-related conditions. ClinVar contains an entry for this variant (Variation ID: 1364670). An algorithm developed to predict the effect of missense changes on protein structure and function (PolyPhen-2) suggests that this variant is likely to be disruptive. In summary, the available evidence is currently insufficient to determine the role of this variant in disease. Therefore, it has been classified as a Variant of Uncertain Significance.

NM_005869.4(CWC27):c.1142G>A (p.Arg381Gln)

Gene: CWC27 (CWC27 spliceosome associated cyclophilin; plus strand). Cytogenetic location: 5q12.3.
Variant type: single nucleotide variant.
Coding change: c.1142G>A on transcript NM_005869.4 (MANE Select); coding-DNA position 1142, G replaced by A.
Protein change: p.Arg381Gln; replaces arginine 381 with glutamine.
Molecular consequence: missense variant.
Genome position (GRCh38, 1-based): chr5:64,971,802, G>A. VCF-style: chr5-64971802-G-A. GRCh37 (hg19) VCF-style: chr5-64267629-G-A.
Other names: c.1142G>A, p.Arg381Gln (NM_001297644.1); short protein forms R381Q.
Identifiers: ClinVar variation 1364670 (VCV001364670.7), dbSNP rs754601012, ClinGen allele CA3282228.